The following is an entry in ClinVar:

ClinVar aggregate classification (germline): Uncertain significance (1 of 4 stars; one submission).

Conditions:
Autosomal recessive severe congenital neutropenia due to G6PC3 deficiency. Also called: G6PC3 Deficiency; NEUTROPENIA, SEVERE CONGENITAL, 4, AUTOSOMAL RECESSIVE. Identifiers: Orphanet 331176, MedGen C2751630, MONDO:0012930, OMIM 612541.

Submission:

Labcorp Genetics (formerly Invitae), Labcorp
Classification: Uncertain significance for Autosomal recessive severe congenital neutropenia due to G6PC3 deficiency. Last evaluated: 2019-02-13. Review status: criteria provided, single submitter. Criteria: Invitae Variant Classification Sherloc (09022015). Collection method: clinical testing. Allele origin: germline.
Comment: This variant is not present in population databases (ExAC no frequency). This sequence change falls in intron 3 of the G6PC3 gene. It does not directly change the encoded amino acid sequence of the G6PC3 protein, but it affects a nucleotide within the consensus splice site of the intron. This variant has not been reported in the literature in individuals with G6PC3-related conditions. In summary, the available evidence is currently insufficient to determine the role of this variant in disease. Therefore, it has been classified as a Variant of Uncertain Significance. Nucleotide substitutions within the consensus splice site are a relatively common cause of aberrant splicing (PMID: 17576681, 9536098). Algorithms developed to predict the effect of sequence changes on RNA splicing suggest that this variant may disrupt the consensus splice site, but this prediction has not been confirmed by published transcriptional studies.

Literature cited by the submitters: PubMed 17576681; PubMed 9536098.

NM_138387.4(G6PC3):c.416+3A>G

Gene: G6PC3 (glucose-6-phosphatase catalytic subunit 3; plus strand). Cytogenetic location: 17q21.31.
Variant type: single nucleotide variant.
Coding change: c.416+3A>G on transcript NM_138387.4 (MANE Select); 3 bases into the intron after coding-DNA position 416, A replaced by G.
Molecular consequence: intron variant.
Genome position (GRCh38, 1-based): chr17:44,074,773, A>G. VCF-style: chr17-44074773-A-G. GRCh37 (hg19) VCF-style: chr17-42152141-A-G.
Other names: c.71+3A>G (NM_001384168.1, NM_001384165.1, NM_001384166.1 and 1 more transcripts); c.416+3A>G (NM_001319945.2).
Identifiers: ClinVar variation 849957 (VCV000849957.7), dbSNP rs2050047994, ClinGen allele CA916080700.
Genomic context (GRCh38, chr17:44,074,773, plus strand): 5'-CAGCCCTCTGGCCCATAATGACGGCCCTGTCTTCGCAGGTGGCCACTCGGGCCCGCAGGT[A>G]TACCCTTGGCATTGCCCACCATTGGGAGCAGGGGTGATGGCACCCTGTACCTAATAGACA-3'